The following is an entry in ClinVar:

ClinVar aggregate classification (germline): Pathogenic/Likely pathogenic. Review status: criteria provided, multiple submitters, no conflicts (2 of 4 stars). 2 submissions from 2 submitters: Pathogenic (1); Likely pathogenic (1). Last evaluated 2025-05-04.

Conditions:
Autosomal recessive osteopetrosis 1. Also called: TCIRG1-Related Autosomal Recessive Osteopetrosis; TCIRG1-Related Osteopetrosis; ALBERS-SCHONBERG DISEASE, AUTOSOMAL RECESSIVE. Identifiers: Orphanet 667, MedGen C1850127, MONDO:0009815, OMIM 259700.

Submissions (2):

Labcorp Genetics (formerly Invitae), Labcorp
Classification: Likely pathogenic. Last evaluated: 2025-05-04. Review status: criteria provided, single submitter. Criteria: Invitae Variant Classification Sherloc (09022015). Collection method: clinical testing. Allele origin: germline.
Comment: This sequence change affects a donor splice site in intron 9 of the TCIRG1 gene. It is expected to disrupt RNA splicing. Variants that disrupt the donor or acceptor splice site typically lead to a loss of protein function (PMID: 16199547), and loss-of-function variants in TCIRG1 are known to be pathogenic (PMID: 10888887, 10942435, 11532986, 19448635). This variant is not present in population databases (gnomAD no frequency). Disruption of this splice site has been observed in individual(s) with osteopetrosis (PMID: 22231430). ClinVar contains an entry for this variant (Variation ID: 2137171). Algorithms developed to predict the effect of sequence changes on RNA splicing suggest that this variant may disrupt the consensus splice site. In summary, the currently available evidence indicates that the variant is pathogenic, but additional data are needed to prove that conclusively. Therefore, this variant has been classified as Likely Pathogenic.

3billion
Classification: Pathogenic for Autosomal recessive osteopetrosis 1. Last evaluated: 2025-02-12. Review status: criteria provided, single submitter. Criteria: ACMG Guidelines, 2015. Collection method: clinical testing. Allele origin: germline. Affected: yes.
Comment: The variant is not observed in the gnomAD v4.1.0 dataset. Predicted Consequence/Location: Canonical splice site: predicted to alter splicing and result in a loss or disruption of normal protein function. Multiple pathogenic loss-of-function variants are reported downstream of the variant. In silico tools predict the variant to alter splicing and produce an abnormal transcript [SpliceAI: 1.00 (spliceogenicity >=0.2, non-spliceogenicity <0.1)]. The variant has been reported to be associated with TCIRG1-related disorder (ClinVar ID: VCV002137171 /PMID: 22231430 /3billion dataset). Therefore, this variant is classified as Pathogenic according to the recommendation of ACMG/AMP guideline.

Literature cited by the submitters: PubMed 16199547 (cited by Labcorp Genetics (formerly Invitae), Labcorp); PubMed 10888887 (cited by Labcorp Genetics (formerly Invitae), Labcorp); PubMed 10942435 (cited by Labcorp Genetics (formerly Invitae), Labcorp); PubMed 11532986 (cited by Labcorp Genetics (formerly Invitae), Labcorp); PubMed 19448635 (cited by Labcorp Genetics (formerly Invitae), Labcorp); PubMed 22231430 (cited by Labcorp Genetics (formerly Invitae), Labcorp and 3billion).

NM_006019.4(TCIRG1):c.1020+2T>A

Gene: TCIRG1 (T cell immune regulator 1, ATPase H+ transporting V0 subunit a3; plus strand). Cytogenetic location: 11q13.2.
Variant type: single nucleotide variant.
Coding change: c.1020+2T>A on transcript NM_006019.4 (MANE Select); the canonical splice donor site of the intron after coding-DNA position 1020, T replaced by A.
Molecular consequence: splice donor variant.
Genome position (GRCh38, 1-based): chr11:68,044,346, T>A. VCF-style: chr11-68044346-T-A. GRCh37 (hg19) VCF-style: chr11-67811813-T-A.
Other names: c.126+2T>A (NM_001351059.2); c.372+2T>A (NM_006053.4).
Identifiers: ClinVar variation 2137171 (VCV002137171.6), dbSNP rs2495628456, ClinGen allele CA381580963.